The following is an entry in ClinVar:

ClinVar aggregate classification (germline): Pathogenic. Review status: criteria provided, multiple submitters, no conflicts (2 of 4 stars). 7 submissions from 7 submitters: Pathogenic (6). 1 of the submissions does not count toward it. Last evaluated 2025-12-29.

Conditions:
GLB1-related disorder. Also called: GLB1-related disorders. Identifiers: MedGen CN377807.
GM1 gangliosidosis. Identifiers: Orphanet 354, MedGen C0085131, MONDO:0018149.
Mucopolysaccharidosis, MPS-IV-B (MPS4B). Also called: MORQUIO SYNDROME B; Mucopolysaccharidosis Type IVB; Mucopolysaccharidosis type IV B; Mucopolysaccharidosis type 4B; Mucopolysaccharidosis Type IVB (Morquio B Disease); Mucopolysaccharidosis type IVB (Morquio). Identifiers: Orphanet 309310, Orphanet 582, MedGen C0086652, MONDO:0009660, OMIM 253010.

Allele frequency attached by ClinVar (database versions not stated): ExAC 0.00001; gnomAD 0.00001; gnomAD exomes 0.00001 and 0.00002; TOPMed 0.00001.
gnomAD v4.1: 26 of 1,614,060 alleles (0.0016%); highest among the groups gnomAD compares: East Asian, 0.0022%; no homozygotes.

Submissions (7):

Natera, Inc.
Classification: Pathogenic for Mucopolysaccharidosis, MPS-IV-B. Last evaluated: 2025-12-29. Review status: criteria provided, single submitter. Criteria: Natera Variant Classification Schema (03/2026). Collection method: clinical testing. Allele origin: germline.
Comment: The c.902C>T variant in GLB1 is a missense variant predicted to cause substitution of alanine to valine at amino acid 301. This variant is rare in the general population with a frequency below the threshold expected for the associated phenotype(s). This variant has been observed in one or more individuals affected with the associated recessive disease, as either homozygous or compound heterozygous with a second variant (PMID: 30408610, 16941474). Given the available evidence, this variant is classified as Pathogenic.

Labcorp Genetics (formerly Invitae), Labcorp
Classification: Pathogenic for Mucopolysaccharidosis, MPS-IV-B; GM1 gangliosidosis. Last evaluated: 2023-12-24. Review status: criteria provided, single submitter. Criteria: Invitae Variant Classification Sherloc (09022015). Collection method: clinical testing. Allele origin: germline.
Comment: This sequence change replaces alanine, which is neutral and non-polar, with valine, which is neutral and non-polar, at codon 301 of the GLB1 protein (p.Ala301Val). This variant is present in population databases (rs750531880, gnomAD 0.002%). This missense change has been observed in individual(s) with GM1 gangliosidosis (PMID: 16941474, 20175788, 20409738, 20920281). This variant is also known as r.901_914del. ClinVar contains an entry for this variant (Variation ID: 381567). Advanced modeling of protein sequence and biophysical properties (such as structural, functional, and spatial information, amino acid conservation, physicochemical variation, residue mobility, and thermodynamic stability) performed at Invitae indicates that this missense variant is expected to disrupt GLB1 protein function with a positive predictive value of 95%. Experimental studies have shown that this missense change affects GLB1 function (PMID: 16941474, 20175788). Algorithms developed to predict the effect of sequence changes on RNA splicing suggest that this variant may disrupt the consensus splice site. For these reasons, this variant has been classified as Pathogenic.

Women's Health and Genetics/Laboratory Corporation of America, LabCorp
Classification: Pathogenic for GM1 gangliosidosis. Last evaluated: 2023-08-29. Review status: criteria provided, single submitter. Criteria: LabCorp Variant Classification Summary - May 2015. Collection method: clinical testing. Allele origin: germline.
Comment: Variant summary: GLB1 c.902C>T (p.Ala301Val) results in a non-conservative amino acid change located in the Glycoside hydrolase 35, catalytic domain (IPR031330) of the encoded protein sequence. Five of five in-silico tools predict a damaging effect of the variant on protein function. Several computational tools predict a significant impact on normal splicing: Three predict the variant creates a cryptic 5' splicing donor site, and one predicts the variant strengthens this site. At least one publication reports experimental evidence that this variant affects mRNA splicing, finding that inhibition of nonsense-mediated decay in a patient with the variant allowed detection of the transcript, which contains a deletion of 14 nucleotides at the 3' end of exon 8 (Santamaria_2006). The variant allele was found at a frequency of 8e-06 in 249468 control chromosomes (gnomAD). c.902C>T has been reported in the literature in individuals affected with GM1 Gangliosidosis (Yang_2010, Hofer_2010, Santamaria_2006, Arash-Kaps_2019, King_2020), and some were reported as compound heterozygous with other pathogenic variants. These data indicate that the variant is very likely to be associated with disease. At least one publication reports experimental evidence evaluating an impact on protein function, finding no residual enzymatic activity in transfected cells (Yang_2010). The following publications have been ascertained in the context of this evaluation (PMID: 20920281, 20175788, 16941474, 31761138, 33240792). Four submitters have cited clinical-significance assessments for this variant to ClinVar after 2014. All submitters classified the variant as pathogenic/likely pathogenic. Based on the evidence outlined above, the variant was classified as pathogenic.

PreventionGenetics, part of Exact Sciences
Classification: Pathogenic for GLB1-related condition. Last evaluated: 2023-01-04. Review status: criteria provided, single submitter. Criteria: ACMG Guidelines, 2015. Collection method: clinical testing. Allele origin: germline.
Comment: The GLB1 c.902C>T variant is predicted to result in the amino acid substitution p.Ala301Val. This variant has been reported in the compound heterozygous state in individuals with Gangliosidosis GM1, including one sibling pair (Hofer et al. 2010. Table 1 PubMed ID: 20175788; Yang et al. 2010. PubMed ID: 20920281; Arash-Kaps et al. 2019. Table III PubMed ID: 31761138; King et al. 2020. Table 1 PubMed ID: 33240792; Santamaria et al. 2006. PubMed ID: 16941474). This variant has been reported to affect splicing and to significantly reduce enzyme activity in vitro compared to control (Santamaria et al. 2006. PubMed ID: 16941474; Hofer et al. 2010. Table 3 PubMed ID: 20175788; Yang et al. 2010. PubMed ID: 20920281). This variant is reported in 0.0018% of alleles in individuals of European (Non-Finnish) descent in gnomAD. Taken together, this variant is interpreted as pathogenic.

Revvity Omics, Revvity
Classification: Pathogenic. Last evaluated: 2021-05-21. Review status: criteria provided, single submitter. Criteria: ACMG Guidelines, 2015. Collection method: clinical testing. Allele origin: germline.

GeneDx
Classification: Pathogenic. Last evaluated: 2017-02-02. Review status: criteria provided, single submitter. Criteria: GeneDx Variant Classification (06012015). Collection method: clinical testing. Allele origin: germline. Affected: yes.
Comment: The c.902 C>T pathogenic variant in the GLB1 gene has been reported previously with another GLB1 variant in multiple unrelated individuals with GM1-gangliosidosis (Santamaria et al., 2006; Yang et al., 2010; Hofer et al., 2010). Functional studies have shown that the c.902 C>T variant is associated with significantly reduced beta-galactosidase activity (Yang et al., 2010). The c.902 C>T variant is not observed at a significant frequency in large population cohorts (Lek et al., 2016; 1000 Genomes Consortium et al., 2015; Exome Variant Server). In-silico splice prediction models predict that c.902 C>T may create a cryptic splice donor site in exon 8, which may cause abnormal gene splicing. However, in the absence of RNA/functional studies, the actual effect of the c.902 C>T change in this individual is unknown. If c.902 C>T does not alter splicing, it will result in the A301V missense change. The A301V variant is a conservative amino acid substitution, which is not likely to impact secondary protein structure as these residues share similar properties. However, this substitution occurs at a position that is conserved across species, and in silico analysis predicts this variant is probably damaging to the protein structure/function. We interpret c.902 C>T as a pathogenic variant.

Counsyl
Classification: Likely pathogenic for Mucopolysaccharidosis, MPS-IV-B. Last evaluated: 2017-10-23. Review status: no assertion criteria provided. Collection method: clinical testing. Allele origin: unknown. Not counted in ClinVar's aggregate classification.

Literature cited by the submitters: PubMed 30408610 (cited by Natera, Inc.); PubMed 16941474 (cited by 4 submitters); PubMed 20175788 (cited by 3 submitters); PubMed 20409738 (cited by Labcorp Genetics (formerly Invitae), Labcorp and Counsyl); PubMed 20920281 (cited by 3 submitters); PubMed 31761138 (cited by Women's Health and Genetics/Laboratory Corporation of America, LabCorp); PubMed 33240792 (cited by Women's Health and Genetics/Laboratory Corporation of America, LabCorp).

NM_000404.4(GLB1):c.902C>T (p.Ala301Val)

Gene: GLB1 (galactosidase beta 1; minus strand). Cytogenetic location: 3p22.3.
Variant type: single nucleotide variant.
Coding change: c.902C>T on transcript NM_000404.4 (MANE Select); coding-DNA position 902, C replaced by T.
Protein change: p.Ala301Val; replaces alanine 301 with valine.
Molecular consequence: missense variant.
Genome position (GRCh38, 1-based): chr3:33,051,895, G>A on the plus strand (C>T on the coding strand, the complement: GLB1 is on the minus strand). VCF-style: chr3-33051895-G-A. GRCh37 (hg19) VCF-style: chr3-33093387-G-A.
Other names: c.902C>T (NM_000404.3); c.812C>T, p.Ala271Val (NM_001079811.3); c.509C>T, p.Ala170Val (NM_001135602.3); c.1046C>T, p.Ala349Val (NM_001317040.2); c.902C>T, p.Ala301Val (NM_001393580.1); short protein forms A301V, A170V, A349V, A271V.
Identifiers: ClinVar variation 381567 (VCV000381567.17), dbSNP rs750531880, ClinGen allele CA2299570.